The following is an entry in ClinVar:

ClinVar aggregate classification (germline): Likely benign. Review status: criteria provided, multiple submitters, no conflicts (2 of 4 stars). 2 submissions from 2 submitters: Likely benign (2). Last evaluated 2024-09-06.

Allele frequency attached by ClinVar (database versions not stated): ExAC 0.00001; gnomAD exomes 0.00001 and 0.00004; gnomAD 0.00007; ESP Exome Variant Server 0.00008; TOPMed 0.00009.
gnomAD v4.1: 18 of 1,613,786 alleles (0.0011%); highest among the groups gnomAD compares: African/African-American, 0.016%; no homozygotes.

Submissions (2):

Labcorp Genetics (formerly Invitae), Labcorp
Classification: Likely benign. Last evaluated: 2024-09-06. Review status: criteria provided, single submitter. Criteria: Invitae Variant Classification Sherloc (09022015). Collection method: clinical testing. Allele origin: germline.

CeGaT Center for Human Genetics Tuebingen
Classification: Likely benign. Last evaluated: 2022-07-01. Review status: criteria provided, single submitter. Criteria: CeGaT Center For Human Genetics Tuebingen Variant Classification Criteria Version 2. Collection method: clinical testing. Allele origin: germline. Affected: yes. Observed: 1 variant allele.
Comment: HOMER2: BP4

NM_004839.4(HOMER2):c.388-17C>G

Gene: HOMER2 (homer scaffold protein 2; minus strand). Cytogenetic location: 15q25.2.
Variant type: single nucleotide variant.
Coding change: c.388-17C>G on transcript NM_004839.4 (MANE Select); 17 bases into the intron before coding-DNA position 388, C replaced by G.
Molecular consequence: intron variant. On other transcripts: missense variant (1).
Genome position (GRCh38, 1-based): chr15:82,859,152, G>C on the plus strand (C>G on the coding strand, the complement: HOMER2 is on the minus strand). VCF-style: chr15-82859152-G-C. GRCh37 (hg19) VCF-style: chr15-83527904-G-C.
Other names: c.404C>G, p.Thr135Ser (NM_199330.3); short protein forms T135S.
Identifiers: ClinVar variation 1701264 (VCV001701264.34), dbSNP rs372021638, ClinGen allele CA7702167.
Genomic context (GRCh38, chr15:82,859,152, plus strand): 5'-GCGTGAGAGGCCTTTTCATCGTCCGTCCCGTTGACACTGGATGCCTGAGTAGAAGATGGG[G>C]TTTCACGCCCAGATTCCTGGCCAAAGTGAATTATCTTCACACGTTATTGCTTGTCTGCAC-3'